The following is an entry in ClinVar:

ClinVar aggregate classification (germline): Uncertain significance (1 of 4 stars; one submission).

Allele frequency attached by ClinVar (database versions not stated): gnomAD 0.00001; TOPMed 0.00001.

Submission:

GeneDx
Classification: Uncertain significance. Last evaluated: 2023-03-15. Review status: criteria provided, single submitter. Criteria: GeneDx Variant Classification Process June 2021. Collection method: clinical testing. Allele origin: germline. Affected: yes.
Comment: Not observed at significant frequency in large population cohorts (gnomAD); In silico analysis supports that this missense variant does not alter protein structure/function; Has not been previously published as pathogenic or benign to our knowledge

NM_004187.5(KDM5C):c.1114G>A (p.Val372Ile)

Gene: KDM5C (lysine demethylase 5C; minus strand). Cytogenetic location: Xp11.22.
Variant type: single nucleotide variant.
Coding change: c.1114G>A on transcript NM_004187.5 (MANE Select); coding-DNA position 1114, G replaced by A.
Protein change: p.Val372Ile; replaces valine 372 with isoleucine.
Molecular consequence: missense variant. On other transcripts: non-coding transcript variant (3).
Genome position (GRCh38, 1-based): chrX:53,214,697, C>T on the plus strand (G>A on the coding strand, the complement: KDM5C is on the minus strand). VCF-style: chrX-53214697-C-T. GRCh37 (hg19) VCF-style: chrX-53243879-C-T.
Other names: c.913G>A, p.Val305Ile (NM_001146702.2); c.1111G>A, p.Val371Ile (NM_001282622.3, NM_001353979.2, NM_001353982.2); c.1114G>A, p.Val372Ile (NM_001353978.3, NM_001353981.2, NM_001353984.2); short protein forms V305I, V371I, V372I.
Identifiers: ClinVar variation 2444560 (VCV002444560.1), dbSNP rs1207985561, ClinGen allele CA413131857.